The following is an entry in ClinVar:

ClinVar aggregate classification (germline): Uncertain significance (1 of 4 stars; one submission).

Submission:

Dasa
Classification: Uncertain significance. Last evaluated: 2025-09-07. Review status: criteria provided, single submitter. Criteria: DASA Assertion Criteria. Collection method: clinical testing. Allele origin: germline.
Comment: NM_001378414.1(HDAC4):c.1663G>A (p.Ala555Thr) is a missense variant that results in the substitution of alanine with threonine. This variant is absent from population databases. Computational prediction algorithms are consistent with a benign effect. The currently available literature and clinical evidence are not sufficient to establish a definitive association between this variant and the reported condition. Therefore, this variant is classified as a variant of uncertain significance.

NM_001378414.1(HDAC4):c.1663G>A (p.Ala555Thr)

Gene: HDAC4 (histone deacetylase 4; minus strand). Cytogenetic location: 2q37.3.
Variant type: single nucleotide variant.
Coding change: c.1663G>A on transcript NM_001378414.1 (MANE Select); coding-DNA position 1663, G replaced by A.
Protein change: p.Ala555Thr; replaces alanine 555 with threonine.
Molecular consequence: missense variant.
Genome position (GRCh38, 1-based): chr2:239,115,181, C>T on the plus strand (G>A on the coding strand, the complement: HDAC4 is on the minus strand). VCF-style: chr2-239115181-C-T. GRCh37 (hg19) VCF-style: chr2-240036877-C-T.
Other names: c.1663G>A, p.Ala555Thr (NM_001378415.1); c.1648G>A, p.Ala550Thr (NM_001378416.1, NM_001378417.1, NM_001435996.1 and 1 more transcripts); c.1582G>A, p.Ala528Thr (NM_001435991.1, NM_001435992.1, NM_001435994.1); c.1504G>A, p.Ala502Thr (NM_001435993.1); c.1567G>A, p.Ala523Thr (NM_001435998.1); short protein forms A502T, A523T, A528T, A550T, A555T.
Identifiers: ClinVar variation 4885312 (VCV004885312.2).